The following is an entry in ClinVar:

ClinVar aggregate classification (germline): Uncertain significance. Review status: criteria provided, multiple submitters, no conflicts (2 of 4 stars). 2 submissions from 2 submitters: Uncertain significance (2). Last evaluated 2025-12-19.

Allele frequency attached by ClinVar (database versions not stated): ESP Exome Variant Server 0.00008; gnomAD exomes 0.00008 and 0.00014; TOPMed 0.00009; gnomAD 0.00010; ExAC 0.00015; 1000 Genomes Project 30x 0.00016; 1000 Genomes Project 0.00020.
gnomAD v4.1: 136 of 1,613,768 alleles (0.0084%); highest among the groups gnomAD compares: Non-Finnish European, 0.0056%; no homozygotes.

Submissions (2):

Labcorp Genetics (formerly Invitae), Labcorp
Classification: Uncertain significance. Last evaluated: 2025-12-19. Review status: criteria provided, single submitter. Criteria: Invitae Variant Classification Sherloc (09022015). Collection method: clinical testing. Allele origin: germline.
Comment: This sequence change replaces aspartic acid, which is acidic and polar, with asparagine, which is neutral and polar, at codon 454 of the C9 protein (p.Asp454Asn). This variant is present in population databases (rs201784563, gnomAD 0.2%). This missense change has been observed in individual(s) with clinical features of C9-related disorders (PMID: 35753512). ClinVar contains an entry for this variant (Variation ID: 809750). Invitae Evidence Modeling of protein sequence and biophysical properties (such as structural, functional, and spatial information, amino acid conservation, physicochemical variation, residue mobility, and thermodynamic stability) has been performed for this missense variant. However, the output from this modeling did not meet the statistical confidence thresholds required to predict the impact of this variant on C9 protein function. In summary, the available evidence is currently insufficient to determine the role of this variant in disease. Therefore, it has been classified as a Variant of Uncertain Significance.

CeGaT Center for Human Genetics Tuebingen
Classification: Uncertain significance. Last evaluated: 2017-03-01. Review status: criteria provided, single submitter. Criteria: CeGaT Center For Human Genetics Tuebingen Variant Classification Criteria Version 2. Collection method: clinical testing. Allele origin: germline. Affected: yes. Observed: 1 variant allele.

Literature cited by the submitters: PubMed 35753512 (cited by Labcorp Genetics (formerly Invitae), Labcorp).

NM_001737.5(C9):c.1360G>A (p.Asp454Asn)

Gene: C9 (complement C9; minus strand). Cytogenetic location: 5p13.1.
Variant type: single nucleotide variant.
Coding change: c.1360G>A on transcript NM_001737.5 (MANE Select); coding-DNA position 1360, G replaced by A.
Protein change: p.Asp454Asn; replaces aspartic acid 454 with asparagine.
Molecular consequence: missense variant.
Genome position (GRCh38, 1-based): chr5:39,306,673, C>T on the plus strand (G>A on the coding strand, the complement: C9 is on the minus strand). VCF-style: chr5-39306673-C-T. GRCh37 (hg19) VCF-style: chr5-39306775-C-T.
Other names: short protein forms D454N.
Identifiers: ClinVar variation 809750 (VCV000809750.49), dbSNP rs201784563, ClinGen allele CA3246722.